The following continues an entry in ClinVar:

NM_000256.3(MYBPC3):c.3373G>A (p.Val1125Met)

Gene: MYBPC3. ClinVar aggregate classification (germline): Conflicting classifications of pathogenicity. Likely pathogenic (2); Uncertain significance (12).

Submissions 8 to 15 of 15:

All of Us Research Program, National Institutes of Health
Classification: Uncertain significance for Hypertrophic cardiomyopathy. Last evaluated: 2024-09-23. Review status: criteria provided, single submitter. Criteria: ACMG Guidelines, 2015. Collection method: clinical testing. Allele origin: germline. Inheritance: Autosomal dominant inheritance. Observed: 19 variant alleles, 19 heterozygotes.
Comment: This missense variant replaces valine with methionine at codon 1125 of the MYBPC3 protein. Computational prediction suggests that this variant may not impact protein structure and function (internally defined REVEL score threshold <= 0.5, PMID: 27666373). To our knowledge, functional studies have not been reported for this variant. This variant has been reported in individuals affected with hypertrophic cardiomyopathy (PMID: 22267749, 27532257, 28356264, 32841044, 33782553). Some of these individuals also carried a different pathogenic variant in the same gene (PMID: 22267749). This variant has also been reported in an individual affected with dilated cardiomyopathy (PMID: 29493010), in an individual affected with suspected drug-induced long QT syndrome (PMID: 31376648), and in an individual affected with sudden unexplained death (PMID: 28807990). This variant has been identified in 7/273636 chromosomes in the general population by the Genome Aggregation Database (gnomAD). The available evidence is insufficient to determine the role of this variant in disease conclusively. Therefore, this variant is classified as a Variant of Uncertain Significance.

This study involves interpretation of variants in research participants for the purpose of population health screening. Participant phenotype was not available at the time of variant classification. Additional details can be found in publication PMID: 35346344, PMCID: PMC8962531

Dasa
Classification: Uncertain significance. Last evaluated: 2024-08-12. Review status: criteria provided, single submitter. Criteria: DASA Assertion Criteria. Collection method: clinical testing. Allele origin: germline.
Comment: NM_000256.3(MYBPC3):c.3373G>A (p.Val1125Met) is a missense variant that results in the substitution of valine with methionine. This variant has been recurrently observed in individuals with MYBPC3-related disorders (PMID: 29493010; PMID: 18337725). Also, this variant is rare in population databases. Computational prediction algorithms are consistent with a benign effect. The currently available literature and clinical evidence are not sufficient to establish a definitive association between this variant and the reported condition. Therefore, this variant is classified as a variant of uncertain significance.

Color Diagnostics, LLC DBA Color Health
Classification: Uncertain significance for Cardiomyopathy. Last evaluated: 2024-08-07. Review status: criteria provided, single submitter. Criteria: ACMG Guidelines, 2015. Collection method: clinical testing. Allele origin: germline.
Comment: This missense variant replaces valine with methionine at codon 1125 of the MYBPC3 protein. Computational prediction tools indicate that this variant has a neutral impact on protein structure and function. To our knowledge, functional studies have not been reported for this variant. This variant has been reported in individuals affected with hypertrophic cardiomyopathy (PMID: 22267749, 27532257, 28356264, 32841044, 33782553). Some of these individuals also carried a different pathogenic splice variant in the same gene (PMID: 22267749). This variant has also been reported in an individual affected with dilated cardiomyopathy (PMID: 29493010), in an individual affected with suspected drug-induced long QT syndrome (PMID: 31376648), and in an individual affected with sudden unexplained death (PMID: 28807990). This variant has been identified in 7/273636 chromosomes in the general population by the Genome Aggregation Database (gnomAD). The available evidence is insufficient to determine the role of this variant in disease conclusively. Therefore, this variant is classified as a Variant of Uncertain Significance.

GeneDx
Classification: Uncertain significance. Last evaluated: 2023-10-17. Review status: criteria provided, single submitter. Criteria: GeneDx Variant Classification Process June 2021. Collection method: clinical testing. Allele origin: germline. Affected: yes.
Comment: In silico analysis supports that this missense variant does not alter protein structure/function; This variant is associated with the following publications: (PMID: 21415409, 27532257, 28807990, 29493010, 22267749, 28356264, 31376648, 34426522, 33782553, 35653365, 27585509, 18337725)

Institute of Human Genetics, University of Leipzig Medical Center
Classification: Uncertain significance for Hypertrophic cardiomyopathy 4. Last evaluated: 2023-01-09. Review status: criteria provided, single submitter. Criteria: ACMG Guidelines, 2015. Collection method: clinical testing. Allele origin: unknown. Affected: yes.

Blueprint Genetics
Classification: Uncertain significance. Last evaluated: 2022-06-29. Review status: criteria provided, single submitter. Criteria: ACMG Guidelines, 2015. Collection method: clinical testing. Allele origin: germline.

Laboratory for Molecular Medicine, Mass General Brigham Personalized Medicine
Classification: Uncertain significance for Hypertrophic cardiomyopathy. Last evaluated: 2019-04-05. Review status: criteria provided, single submitter. Criteria: ACMG Guidelines, 2015. Collection method: clinical testing. Allele origin: germline.
Comment: Disclaimer: This variant has not undergone full assessment. The following are preliminary notes: Reported in one infant who died of SIDS (Dewar 2017). Her nephew who had just the V1125M variant was mildly affected (Frank-Hansen 2008). Classified as VUS favour pathogenic in Walsh 2017. Clinvar: VUS (GeneDx, Invitae). Gnomad: 0.01% (1 allele).

OMIM
Classification: Pathogenic for CARDIOMYOPATHY, FAMILIAL HYPERTROPHIC, 4. Last evaluated: 2008-09-01. Review status: no assertion criteria provided. Collection method: literature only. Allele origin: germline. Not counted in ClinVar's aggregate classification.

Literature cited by the submitters: PubMed 28356264 (cited by 7 submitters); PubMed 29493010 (cited by 7 submitters); PubMed 33782553 (cited by 4 submitters); PubMed 31376648 (cited by 5 submitters); PubMed 32841044 (cited by 5 submitters); PubMed 27585509 (cited by 3 submitters); PubMed 39486665 (cited by Victorian Clinical Genetics Services, Murdoch Childrens Research Institute and Mayo Clinic Laboratories, Mayo Clinic); PubMed 18337725 (cited by 5 submitters); PubMed 26633542 (cited by Victorian Clinical Genetics Services, Murdoch Childrens Research Institute); PubMed 33495596 (cited by Victorian Clinical Genetics Services, Murdoch Childrens Research Institute); PubMed 35629155 (cited by Victorian Clinical Genetics Services, Murdoch Childrens Research Institute); PubMed 25163546 (cited by Victorian Clinical Genetics Services, Murdoch Childrens Research Institute); PubMed 29875424 (cited by 3 submitters); PubMed 32355288 (cited by Victorian Clinical Genetics Services, Murdoch Childrens Research Institute); PubMed 22267749 (cited by 3 submitters); PubMed 27532257 (cited by 4 submitters); PubMed 28807990 (cited by 4 submitters); PubMed 34426522 (cited by Mayo Clinic Laboratories, Mayo Clinic); PubMed 35653365 (cited by Mayo Clinic Laboratories, Mayo Clinic); PubMed 37652022 (cited by Mayo Clinic Laboratories, Mayo Clinic and Ambry Genetics); PubMed 28301460 (cited by Ambry Genetics).